The following is an entry in ClinVar:

NM_199420.4(POLQ):c.5111A>G (p.Lys1704Arg)

Gene: POLQ (DNA polymerase theta; minus strand). Cytogenetic location: 3q13.33.
Variant type: single nucleotide variant.
Coding change: c.5111A>G on transcript NM_199420.4 (MANE Select); coding-DNA position 5111, A replaced by G.
Protein change: p.Lys1704Arg; replaces lysine 1704 with arginine.
Molecular consequence: missense variant.
Genome position (GRCh38, 1-based): chr3:121,487,820, T>C on the plus strand (A>G on the coding strand, the complement: POLQ is on the minus strand). VCF-style: chr3-121487820-T-C. GRCh37 (hg19) VCF-style: chr3-121206667-T-C.
Other names: short protein forms K1704R.
Identifiers: ClinVar variation 3422350 (VCV003422350.1).

ClinVar aggregate classification (germline): Uncertain significance (1 of 4 stars; one submission).

gnomAD v4.1: 2 of 1,609,640 alleles (0.00012%); highest among the groups gnomAD compares: Admixed American, 0.0034%; no homozygotes.

Submission:

Ambry Genetics
Classification: Uncertain significance. Last evaluated: 2024-11-10. Review status: criteria provided, single submitter. Criteria: Ambry Variant Classification Scheme 2023. Collection method: clinical testing. Allele origin: germline.
Comment: The p.K1704R variant (also known as c.5111A>G), located in coding exon 16 of the POLQ gene, results from an A to G substitution at nucleotide position 5111. The lysine at codon 1704 is replaced by arginine, an amino acid with highly similar properties. This amino acid position is conserved. In addition, this alteration is predicted to be tolerated by in silico analysis. Based on the available evidence, the clinical significance of this variant remains unclear.